The following is an entry in ClinVar:

NM_004104.5(FASN):c.4537del (p.Ala1513fs)

Gene: FASN (fatty acid synthase; minus strand). Cytogenetic location: 17q25.3.
Variant type: Deletion.
Coding change: c.4537del on transcript NM_004104.5 (MANE Select); coding-DNA position 4537, one base deleted (G; older notation c.4537delG).
Protein change: p.Ala1513fs; shifts the reading frame from alanine 1513.
Molecular consequence: frameshift variant.
Genome position (GRCh38, 1-based): chr17:82,084,826, C deleted on the plus strand (G on the coding strand, the reverse complement: FASN is on the minus strand); the first of 6 consecutive C bases (chr17:82,084,826-82,084,831); deleting any one gives the same sequence. VCF-style (leftmost placement, unchanged base first): chr17-82084825-GC-G. GRCh37 (hg19) VCF-style: chr17-80042701-GC-G.
Other names: short protein forms A1513fs.
Identifiers: ClinVar variation 4807216 (VCV004807216.1).
Genomic context (GRCh38, chr17:82,084,825, plus strand): 5'-TCCCGGGAGGGGCAGGGCAGTGTCGGGGGCTCACCCTCCTCCAGCAGGAAGTGGCGGAAA[GC>G]CCCCCAGGCCCCGTCGCGGTAGACGTTCATCACCAGGTCTCCCTGCAACACCTTCTGCAG-3'

ClinVar aggregate classification (germline): Uncertain significance (1 of 4 stars; one submission).

Conditions:
Epileptic encephalopathy. Identifiers: MedGen C0543888, HP:0200134.

Submission:

Labcorp Genetics (formerly Invitae), Labcorp
Classification: Uncertain significance for Epileptic encephalopathy. Last evaluated: 2026-01-14. Review status: criteria provided, single submitter. Criteria: Invitae Variant Classification Sherloc (09022015). Collection method: clinical testing. Allele origin: germline.
Comment: This sequence change creates a premature translational stop signal (p.Ala1513Leufs*21) in the FASN gene. It is expected to result in an absent or disrupted protein product. However, the current clinical and genetic evidence is not sufficient to establish whether loss-of-function variants in FASN cause disease. This variant is not present in population databases (gnomAD no frequency). This variant has not been reported in the literature in individuals affected with FASN-related conditions. In summary, the available evidence is currently insufficient to determine the role of this variant in disease. Therefore, it has been classified as a Variant of Uncertain Significance.